The following is an entry in ClinVar:

NM_018012.4(KIF26B):c.5055C>T (p.Ala1685=)

Gene: KIF26B (kinesin family member 26B; plus strand). Cytogenetic location: 1q44.
Variant type: single nucleotide variant.
Coding change: c.5055C>T on transcript NM_018012.4 (MANE Select); coding-DNA position 5055, C replaced by T.
Protein change: p.Ala1685=; no amino-acid change (alanine 1685 retained).
Molecular consequence: synonymous variant.
Genome position (GRCh38, 1-based): chr1:245,688,038, C>T. VCF-style: chr1-245688038-C-T. GRCh37 (hg19) VCF-style: chr1-245851340-C-T.
Identifiers: ClinVar variation 3044291 (VCV003044291.2), dbSNP rs1367750982, ClinGen allele CA424405514.

ClinVar aggregate classification (germline): Likely benign (0 of 4 stars; one submission).

Conditions:
KIF26B-related disorder. Also called: KIF26B-related condition.

Allele frequency attached by ClinVar (database versions not stated): TOPMed 0.00001.
gnomAD v4.1: 9 of 1,556,056 alleles (0.00058%); highest among the groups gnomAD compares: East Asian, 0.0048%; no homozygotes.

Submission:

PreventionGenetics, part of Exact Sciences
Classification: Likely benign for KIF26B-related condition. Last evaluated: 2019-05-23. Review status: no assertion criteria provided. Collection method: clinical testing. Allele origin: germline.
Comment: This variant is classified as likely benign based on ACMG/AMP sequence variant interpretation guidelines (Richards et al. 2015 PMID: 25741868, with internal and published modifications).